The following is an entry in ClinVar:

ClinVar aggregate classification (germline): Uncertain significance (1 of 4 stars; one submission).

Conditions:
Muscle AMP deaminase deficiency (MMDD). Also called: Myoadenylate deaminase deficiency, myopathy due to; Adenosine monophosphate deaminase 1 deficiency; AMP deaminase 1 deficiency; Adenosine Monophosphate Deaminase 1; AMPD1 DEFICIENCY; ADENOSINE MONOPHOSPHATE DEAMINASE-1 DEFICIENCY, MYOPATHY DUE TO. Identifiers: Orphanet 45, MedGen C3714933, MONDO:0014220, OMIM 615511.

Submission:

Labcorp Genetics (formerly Invitae), Labcorp
Classification: Uncertain significance for Muscle AMP deaminase deficiency. Last evaluated: 2023-04-05. Review status: criteria provided, single submitter. Criteria: Invitae Variant Classification Sherloc (09022015). Collection method: clinical testing. Allele origin: germline.
Comment: This sequence change replaces isoleucine, which is neutral and non-polar, with threonine, which is neutral and polar, at codon 136 of the AMPD1 protein (p.Ile136Thr). This variant is not present in population databases (gnomAD no frequency). This variant has not been reported in the literature in individuals affected with AMPD1-related conditions. ClinVar contains an entry for this variant (Variation ID: 2106500). An algorithm developed to predict the effect of missense changes on protein structure and function (PolyPhen-2) suggests that this variant is likely to be tolerated. In summary, the available evidence is currently insufficient to determine the role of this variant in disease. Therefore, it has been classified as a Variant of Uncertain Significance.

NM_000036.3(AMPD1):c.308T>C (p.Ile103Thr)

Gene: AMPD1 (adenosine monophosphate deaminase 1; minus strand). Cytogenetic location: 1p13.2.
Variant type: single nucleotide variant.
Coding change: c.308T>C on transcript NM_000036.3 (MANE Select); coding-DNA position 308, T replaced by C.
Protein change: p.Ile103Thr; replaces isoleucine 103 with threonine.
Molecular consequence: missense variant.
Genome position (GRCh38, 1-based): chr1:114,686,818, A>G on the plus strand (T>C on the coding strand, the complement: AMPD1 is on the minus strand). VCF-style: chr1-114686818-A-G. GRCh37 (hg19) VCF-style: chr1-115229439-A-G.
Other names: c.296T>C, p.Ile99Thr (NM_001172626.2); short protein forms I103T, I99T.
Identifiers: ClinVar variation 2106500 (VCV002106500.4), dbSNP rs2526379944, ClinGen allele CA341753429.
Genomic context (GRCh38, chr1:114,686,818, plus strand): 5'-TCACCAGTAATCTGCACTCTCTGAAAATCAGGCACGGTCTGGTAGGTTGGAGATGAGGAA[A>G]TGTATTCATCAATGTGGGACAGTTTGGTGGAAGATGTTTCACTTAGTGGAATGGACAAAT-3'
Protein context (NP_000027.3, residues 93-113): STKLSHIDEY[Ile103Thr]SSSPTYQTVP